The following is an entry in ClinVar:

ClinVar aggregate classification (germline): Likely pathogenic (1 of 4 stars; one submission).

Allele frequency attached by ClinVar (database versions not stated): gnomAD exomes below 0.00001.
gnomAD v4.1: 3 of 1,613,940 alleles (0.00019%); highest among the groups gnomAD compares: Non-Finnish European, 0.00025%; no homozygotes.

Submission:

Labcorp Genetics (formerly Invitae), Labcorp
Classification: Likely pathogenic. Last evaluated: 2020-10-19. Review status: criteria provided, single submitter. Criteria: Invitae Variant Classification Sherloc (09022015). Collection method: clinical testing. Allele origin: germline.
Comment: This sequence change affects a donor splice site in intron 4 of the CNGB1 gene. It is expected to disrupt RNA splicing. Variants that disrupt the donor or acceptor splice site typically lead to a loss of protein function (PMID: 16199547), and loss-of-function variants in CNGB1 are known to be pathogenic (PMID: 15557452, 24043777). This variant is not present in population databases (ExAC no frequency). This variant has not been reported in the literature in individuals with CNGB1-related conditions. Algorithms developed to predict the effect of sequence changes on RNA splicing suggest that this variant may disrupt the consensus splice site, but this prediction has not been confirmed by published transcriptional studies. In summary, the currently available evidence indicates that the variant is pathogenic, but additional data are needed to prove that conclusively. Therefore, this variant has been classified as Likely Pathogenic.

Literature cited by the submitters: PubMed 16199547; PubMed 15557452; PubMed 24043777.

NM_001297.5(CNGB1):c.290+1G>A

Gene: CNGB1 (cyclic nucleotide gated channel subunit beta 1; minus strand). Cytogenetic location: 16q21.
Variant type: single nucleotide variant.
Coding change: c.290+1G>A on transcript NM_001297.5 (MANE Select); the canonical splice donor site of the intron after coding-DNA position 290, G replaced by A.
Molecular consequence: splice donor variant.
Genome position (GRCh38, 1-based): chr16:57,964,129, C>T on the plus strand (G>A on the coding strand, the complement: CNGB1 is on the minus strand). VCF-style: chr16-57964129-C-T. GRCh37 (hg19) VCF-style: chr16-57998033-C-T.
Other names: c.290+1G>A (NM_001286130.2, NM_001135639.2).
Identifiers: ClinVar variation 1066133 (VCV001066133.9), dbSNP rs1167613754, ClinGen allele CA396079946.